The following is an entry in ClinVar:

NM_006035.4(CDC42BPB):c.4529G>T (p.Gly1510Val)

Gene: CDC42BPB (CDC42 binding protein kinase beta; minus strand). Cytogenetic location: 14q32.32.
Variant type: single nucleotide variant.
Coding change: c.4529G>T on transcript NM_006035.4 (MANE Select); coding-DNA position 4529, G replaced by T.
Protein change: p.Gly1510Val; replaces glycine 1510 with valine.
Molecular consequence: missense variant.
Genome position (GRCh38, 1-based): chr14:102,940,108, C>A on the plus strand (G>T on the coding strand, the complement: CDC42BPB is on the minus strand). VCF-style: chr14-102940108-C-A. GRCh37 (hg19) VCF-style: chr14-103406445-C-A.
Other names: c.4451G>T, p.Gly1484Val (NM_001411054.1); short protein forms G1510V, G1484V.
Identifiers: ClinVar variation 4984346 (VCV004984346.1).

ClinVar aggregate classification (germline): Uncertain significance (1 of 4 stars; one submission).

Conditions:
CDC42BPB-related disorder.

gnomAD v4.1: 3 of 1,613,850 alleles (0.00019%); highest among the groups gnomAD compares: Non-Finnish European, 0.00025%; no homozygotes.

Submission:

PreventionGenetics, part of Exact Sciences
Classification: Uncertain significance for CDC42BPB-related condition. Last evaluated: 2025-08-29. Review status: criteria provided, single submitter. Criteria: ACMG Guidelines, 2015. Collection method: clinical testing. Allele origin: germline.
Comment: The CDC42BPB c.4529G>T variant is predicted to result in the amino acid substitution p.Gly1510Val. To our knowledge, this variant has not been reported in the literature. This variant is reported in 0.019% of alleles in individuals of European (Non-Finnish) descent in gnomAD. At this time, the clinical significance of this variant is uncertain due to the absence of conclusive functional and genetic evidence.